The following is an entry in ClinVar:

ClinVar aggregate classification (germline): Uncertain significance. Review status: criteria provided, multiple submitters, no conflicts (2 of 4 stars). 2 submissions from 2 submitters: Uncertain significance (2). Last evaluated 2025-12-02.

Allele frequency attached by ClinVar (database versions not stated): ExAC 0.00002; gnomAD exomes 0.00002; gnomAD 0.00005; TOPMed 0.00005.
gnomAD v4.1: 38 of 1,613,792 alleles (0.0024%); highest among the groups gnomAD compares: Admixed American, 0.03%; no homozygotes.

Submissions (2):

Ambry Genetics
Classification: Uncertain significance. Last evaluated: 2025-12-02. Review status: criteria provided, single submitter. Criteria: Ambry Variant Classification Scheme 2023. Collection method: clinical testing. Allele origin: germline.

Labcorp Genetics (formerly Invitae), Labcorp
Classification: Uncertain significance. Last evaluated: 2023-04-06. Review status: criteria provided, single submitter. Criteria: Invitae Variant Classification Sherloc (09022015). Collection method: clinical testing. Allele origin: germline.
Comment: This sequence change replaces asparagine, which is neutral and polar, with aspartic acid, which is acidic and polar, at codon 603 of the FMN1 protein (p.Asn603Asp). This variant is present in population databases (rs781211668, gnomAD 0.03%). This variant has not been reported in the literature in individuals affected with FMN1-related conditions. Experimental studies and prediction algorithms are not available or were not evaluated, and the functional significance of this variant is currently unknown. In summary, the available evidence is currently insufficient to determine the role of this variant in disease. Therefore, it has been classified as a Variant of Uncertain Significance.

NM_001277313.2(FMN1):c.2476A>G (p.Asn826Asp)

Gene: FMN1 (formin 1; minus strand). Cytogenetic location: 15q13.3.
Variant type: single nucleotide variant.
Coding change: c.2476A>G on transcript NM_001277313.2 (MANE Select); coding-DNA position 2476, A replaced by G.
Protein change: p.Asn826Asp; replaces asparagine 826 with aspartic acid.
Molecular consequence: missense variant.
Genome position (GRCh38, 1-based): chr15:32,969,225, T>C on the plus strand (A>G on the coding strand, the complement: FMN1 is on the minus strand). VCF-style: chr15-32969225-T-C. GRCh37 (hg19) VCF-style: chr15-33261426-T-C.
Other names: c.1807A>G, p.Asn603Asp (NM_001103184.4); c.1807A>G (NM_001103184.2); short protein forms N603D, N826D.
Identifiers: ClinVar variation 2883460 (VCV002883460.4), dbSNP rs781211668, ClinGen allele CA7456942.